The following is an entry in ClinVar:

NM_144988.4(ALG14):c.514G>A (p.Val172Ile)

Gene: ALG14 (ALG14 UDP-N-acetylglucosaminyltransferase subunit; minus strand). Cytogenetic location: 1p21.3.
Variant type: single nucleotide variant.
Coding change: c.514G>A on transcript NM_144988.4 (MANE Select); coding-DNA position 514, G replaced by A.
Protein change: p.Val172Ile; replaces valine 172 with isoleucine.
Molecular consequence: missense variant. On other transcripts: 3 prime UTR variant (1), non-coding transcript variant (1).
Genome position (GRCh38, 1-based): chr1:94,983,213, C>T on the plus strand (G>A on the coding strand, the complement: ALG14 is on the minus strand). VCF-style: chr1-94983213-C-T. GRCh37 (hg19) VCF-style: chr1-95448769-C-T.
Other names: c.*83G>A (NM_001305242.2); short protein forms V172I.
Identifiers: ClinVar variation 4845436 (VCV004845436.1).

ClinVar aggregate classification (germline): Uncertain significance (1 of 4 stars; one submission).

gnomAD v4.1: 7 of 1,613,982 alleles (0.00043%); highest among the groups gnomAD compares: South Asian, 0.0033%; no homozygotes.

Submission:

Greenwood Genetic Center Diagnostic Laboratories, Greenwood Genetic Center
Classification: Uncertain significance. Last evaluated: 2025-11-03. Review status: criteria provided, single submitter. Criteria: ACMG Guidelines, 2015. Collection method: clinical testing. Allele origin: germline. Affected: yes.
Comment: PM2, BP4